The following is an entry in ClinVar:

NM_005450.6(NOG):c.254A>T (p.Glu85Val)

Gene: NOG (noggin; plus strand). Cytogenetic location: 17q22.
Variant type: single nucleotide variant.
Coding change: c.254A>T on transcript NM_005450.6 (MANE Select); coding-DNA position 254, A replaced by T.
Protein change: p.Glu85Val; replaces glutamic acid 85 with valine.
Molecular consequence: missense variant.
Genome position (GRCh38, 1-based): chr17:56,594,477, A>T. VCF-style: chr17-56594477-A-T. GRCh37 (hg19) VCF-style: chr17-54671838-A-T.
Other names: short protein forms E85V.
Identifiers: ClinVar variation 2815588 (VCV002815588.3), dbSNP rs1400308033, ClinGen allele CA399965249.

ClinVar aggregate classification (germline): Uncertain significance (1 of 4 stars; one submission).

Allele frequency attached by ClinVar (database versions not stated): TOPMed below 0.00001.

Submission:

Labcorp Genetics (formerly Invitae), Labcorp
Classification: Uncertain significance. Last evaluated: 2025-12-08. Review status: criteria provided, single submitter. Criteria: Invitae Variant Classification Sherloc (09022015). Collection method: clinical testing. Allele origin: germline.
Comment: This sequence change replaces glutamic acid, which is acidic and polar, with valine, which is neutral and non-polar, at codon 85 of the NOG protein (p.Glu85Val). This variant is present in population databases (no rsID available, gnomAD 0.001%). This variant has not been reported in the literature in individuals affected with NOG-related conditions. ClinVar contains an entry for this variant (Variation ID: 2815588). An algorithm developed to predict the effect of missense changes on protein structure and function (PolyPhen-2) suggests that this variant is likely to be disruptive. In summary, the available evidence is currently insufficient to determine the role of this variant in disease. Therefore, it has been classified as a Variant of Uncertain Significance.